The following is an entry in ClinVar:

ClinVar aggregate classification (germline): Benign/Likely benign. Review status: criteria provided, multiple submitters, no conflicts (2 of 4 stars). 3 submissions from 3 submitters: Benign (2); Likely benign (1). Last evaluated 2025-01-21.

Conditions:
Rotor syndrome (HBLRR). Also called: HYPERBILIRUBINEMIA, ROTOR TYPE, DIGENIC; HYPERBILIRUBINEMIA, ROTOR TYPE. Identifiers: Orphanet 3111, MedGen C0220991, MONDO:0009379, OMIM 237450.

Allele frequency attached by ClinVar (database versions not stated): gnomAD exomes 0.00282 and 0.00617; ExAC 0.00762; gnomAD 0.00969 and 0.01024; TOPMed 0.01075; ESP Exome Variant Server 0.01115; 1000 Genomes Project 0.01597; 1000 Genomes Project 30x 0.01671.
gnomAD v4.1: 5,727 of 1,613,236 alleles (0.36%); highest among the groups gnomAD compares: South Asian, 3.2%; 147 homozygotes.

Submissions (3):

ARUP Laboratories, Molecular Genetics and Genomics, ARUP Laboratories
Classification: Benign for Rotor syndrome. Last evaluated: 2025-01-21. Review status: criteria provided, single submitter. Criteria: ARUP Molecular Germline Variant Investigation Process 2024. Collection method: clinical testing. Allele origin: germline.

Illumina Laboratory Services, Illumina
Classification: Benign for Rotor syndrome. Last evaluated: 2018-01-13. Review status: criteria provided, single submitter. Criteria: ICSL Variant Classification Criteria 13 December 2019. Collection method: clinical testing. Allele origin: germline.
Comment: This variant was observed in the ICSL laboratory as part of a predisposition screen in an ostensibly healthy population. It had not been previously curated by ICSL or reported in the Human Gene Mutation Database (HGMD: prior to June 1st, 2018), and was therefore a candidate for classification through an automated scoring system. Utilizing variant allele frequency, disease prevalence and penetrance estimates, and inheritance mode, an automated score was calculated to assess if this variant is too frequent to cause the disease. Based on the score and internal cut-off values, a variant classified as benign is not then subjected to further curation. The score for this variant resulted in a classification of benign for this disease.

Breakthrough Genomics
Classification: Likely benign. Review status: criteria provided, single submitter. Criteria: ACMG Guidelines, 2015. Collection method: not provided. Allele origin: germline. Inheritance: Autosomal recessive inheritance. Affected: yes.

NM_006446.5(SLCO1B1):c.733A>G (p.Ile245Val)

Gene: SLCO1B1 (solute carrier organic anion transporter family member 1B1; plus strand). Cytogenetic location: 12p12.1.
Variant type: single nucleotide variant.
Coding change: c.733A>G on transcript NM_006446.5 (MANE Select); coding-DNA position 733, A replaced by G.
Protein change: p.Ile245Val; replaces isoleucine 245 with valine.
Molecular consequence: missense variant.
Genome position (GRCh38, 1-based): chr12:21,196,951, A>G. VCF-style: chr12-21196951-A-G. GRCh37 (hg19) VCF-style: chr12-21349885-A-G.
Other names: c.733A>G (LRG_1022t1); short protein forms I245V.
Identifiers: ClinVar variation 307942 (VCV000307942.17), dbSNP rs11045852, ClinGen allele CA6476812.